The following is an entry in ClinVar:

NM_005502.4(ABCA1):c.2404A>G (p.Ile802Val)

Gene: ABCA1 (ATP binding cassette subfamily A member 1; minus strand). Cytogenetic location: 9q31.1.
Variant type: single nucleotide variant.
Coding change: c.2404A>G on transcript NM_005502.4 (MANE Select); coding-DNA position 2404, A replaced by G.
Protein change: p.Ile802Val; replaces isoleucine 802 with valine.
Molecular consequence: missense variant.
Genome position (GRCh38, 1-based): chr9:104,825,821, T>C on the plus strand (A>G on the coding strand, the complement: ABCA1 is on the minus strand). VCF-style: chr9-104825821-T-C. GRCh37 (hg19) VCF-style: chr9-107588102-T-C.
Other names: short protein forms I802V.
Identifiers: ClinVar variation 4235711 (VCV004235711.1).

ClinVar aggregate classification (germline): Uncertain significance (1 of 4 stars; one submission).

Conditions:
Cardiovascular phenotype. Identifiers: MedGen CN230736.

Submission:

Ambry Genetics
Classification: Uncertain significance for Cardiovascular phenotype. Last evaluated: 2025-08-03. Review status: criteria provided, single submitter. Criteria: Ambry Variant Classification Scheme 2023. Collection method: clinical testing. Allele origin: germline.
Comment: The p.I802V variant (also known as c.2404A>G), located in coding exon 16 of the ABCA1 gene, results from an A to G substitution at nucleotide position 2404. The isoleucine at codon 802 is replaced by valine, an amino acid with highly similar properties. This amino acid position is conserved. In addition, this alteration is predicted to be tolerated by in silico analysis. Based on the available evidence, the clinical significance of this variant remains unclear.